The following is an entry in ClinVar:

NM_005560.6(LAMA5):c.5709G>A (p.Arg1903=)

Gene: LAMA5 (laminin subunit alpha 5; minus strand). Cytogenetic location: 20q13.33.
Variant type: single nucleotide variant.
Coding change: c.5709G>A on transcript NM_005560.6 (MANE Select); coding-DNA position 5709, G replaced by A.
Protein change: p.Arg1903=; no amino-acid change (arginine 1903 retained).
Molecular consequence: synonymous variant.
Genome position (GRCh38, 1-based): chr20:62,324,139, C>T on the plus strand (G>A on the coding strand, the complement: LAMA5 is on the minus strand). VCF-style: chr20-62324139-C-T. GRCh37 (hg19) VCF-style: chr20-60899195-C-T.
Other names: p.Arg1903=.
Identifiers: ClinVar variation 781574 (VCV000781574.12), dbSNP rs115089352, ClinGen allele CA9942083.

ClinVar aggregate classification (germline): Benign. Review status: criteria provided, multiple submitters, no conflicts (2 of 4 stars). 3 submissions from 3 submitters: Benign (3). Last evaluated 2026-01-06.

Allele frequency attached by ClinVar (database versions not stated): gnomAD exomes 0.00120 and 0.00356; ExAC 0.00438; gnomAD 0.01142 and 0.01228; ESP Exome Variant Server 0.01268; 1000 Genomes Project 0.01278; TOPMed 0.01317; 1000 Genomes Project 30x 0.01327.
gnomAD v4.1: 3,442 of 1,552,478 alleles (0.22%); highest among the groups gnomAD compares: African/African-American, 4.1%; 84 homozygotes.

Submissions (3):

Labcorp Genetics (formerly Invitae), Labcorp
Classification: Benign. Last evaluated: 2026-01-06. Review status: criteria provided, single submitter. Criteria: Invitae Variant Classification Sherloc (09022015). Collection method: clinical testing. Allele origin: germline.

Mayo Clinic Laboratories, Mayo Clinic
Classification: Benign. Last evaluated: 2023-12-22. Review status: criteria provided, single submitter. Criteria: ACMG Guidelines, 2015. Collection method: clinical testing. Allele origin: germline. Observed: 2 variant alleles.
Comment: BS1, BS2, BP4, BP7

Breakthrough Genomics
Classification: Benign. Review status: criteria provided, single submitter. Criteria: ACMG Guidelines, 2015. Collection method: not provided. Allele origin: germline. Inheritance: Autosomal recessive inheritance. Affected: yes.